The following is an entry in ClinVar:

ClinVar aggregate classification (germline): Conflicting classifications of pathogenicity. Review status: criteria provided, conflicting classifications (1 of 4 stars). 2 submissions from 2 submitters: Uncertain significance (1); Likely benign (1). Last evaluated 2024-09-16.

Conditions:
Hereditary spastic paraplegia 30. Identifiers: Orphanet 101010, MedGen C5235139, MONDO:0012476.
Neuropathy, hereditary sensory, type 2C. Also called: Hereditary sensory and autonomic neuropathy type IIC; KIF1A-Related HSAN2 (HSAN2C). Identifiers: Orphanet 970, MedGen C3280168, MONDO:0013634, OMIM 614213.
Intellectual disability, autosomal dominant 9 (NESCAVS). Also called: NESCAV SYNDROME; KIF1A-Related Neurodevelopmental Disorder. Identifiers: Orphanet 662367, MedGen C5393830, MONDO:0013656, OMIM 614255.
Inborn genetic diseases. Identifiers: MedGen C0950123, MeSH D030342.

Allele frequency attached by ClinVar (database versions not stated): 1000 Genomes Project 0.00020; TOPMed 0.00004; 1000 Genomes Project 30x 0.00016.
gnomAD v4.1: 25 of 1,586,882 alleles (0.0016%); highest among the groups gnomAD compares: Admixed American, 0.019%; no homozygotes.

Submissions (2):

Labcorp Genetics (formerly Invitae), Labcorp
Classification: Likely benign for Hereditary spastic paraplegia 30; Neuropathy, hereditary sensory, type 2C; Intellectual disability, autosomal dominant 9. Last evaluated: 2024-09-16. Review status: criteria provided, single submitter. Criteria: Invitae Variant Classification Sherloc (09022015). Collection method: clinical testing. Allele origin: germline.

Ambry Genetics
Classification: Uncertain significance for Inborn genetic diseases. Last evaluated: 2019-08-14. Review status: criteria provided, single submitter. Criteria: Ambry Variant Classification Scheme 2023. Collection method: clinical testing. Allele origin: germline.
Comment: The p.R1195C variant (also known as c.3583C>T), located in coding exon 34 of the KIF1A gene, results from a C to T substitution at nucleotide position 3583. The arginine at codon 1195 is replaced by cysteine, an amino acid with highly dissimilar properties. This amino acid position is well conserved in available vertebrate species. In addition, the in silico prediction for this alteration is inconclusive. Since supporting evidence is limited at this time, the clinical significance of this alteration remains unclear.

NM_001244008.2(KIF1A):c.3886C>T (p.Arg1296Cys)

Genes: KIF1A (kinesin family member 1A; minus strand), LOC126806583 (P300/CBP strongly-dependent group 1 enhancer GRCh37_chr2:241678910-241680109; plus strand). Cytogenetic location: 2q37.3.
Variant type: single nucleotide variant.
Coding change: c.3886C>T on transcript NM_001244008.2 (MANE Select); coding-DNA position 3886, C replaced by T.
Protein change: p.Arg1296Cys; replaces arginine 1296 with cysteine.
Molecular consequence: missense variant.
Genome position (GRCh38, 1-based): chr2:240,740,073, G>A on the plus strand (C>T on the coding strand, the complement: KIF1A is on the minus strand). VCF-style: chr2-240740073-G-A. GRCh37 (hg19) VCF-style: chr2-241679490-G-A.
Other names: c.3610C>T, p.Arg1204Cys (NM_001320705.2, NM_001330289.2, NM_001379638.1); c.3685C>T, p.Arg1229Cys (NM_001330290.2, NM_001379634.1, NM_001379635.1 and 1 more transcripts); c.3961C>T, p.Arg1321Cys (NM_001379631.1); c.3835C>T, p.Arg1279Cys (NM_001379632.1); c.3859C>T, p.Arg1287Cys (NM_001379633.1, NM_001379642.1, NM_001379645.1); c.3583C>T, p.Arg1195Cys (NM_001379636.1, NM_001379639.1, NM_001379641.1 and 5 more transcripts); c.3658C>T, p.Arg1220Cys (NM_001379637.1, NM_001379648.1); c.3580C>T, p.Arg1194Cys (NM_001379640.1); short protein forms R1229C, R1195C, R1204C, R1296C, R1279C, R1321C, R1194C, R1220C.
Identifiers: ClinVar variation 845392 (VCV000845392.12), dbSNP rs201684653, ClinGen allele CA2207609.